The following is an entry in ClinVar:

ClinVar aggregate classification (germline): Uncertain significance (1 of 4 stars; one submission).

Conditions:
Hereditary cancer-predisposing syndrome. Also called: Neoplastic Syndromes, Hereditary; Tumor predisposition; Hereditary neoplastic syndrome; Hereditary Cancer Syndrome. Identifiers: Orphanet 140162, MedGen C0027672, MeSH D009386, MONDO:0015356.

Submission:

Ambry Genetics
Classification: Uncertain significance for Hereditary cancer-predisposing syndrome. Last evaluated: 2026-07-01. Review status: criteria provided, single submitter. Criteria: Ambry Variant Classification Scheme 2023. Collection method: clinical testing. Allele origin: germline.
Comment: The p.W257G variant (also known as c.769T>G), located in coding exon 7 of the TSC2 gene, results from a T to G substitution at nucleotide position 769. The tryptophan at codon 257 is replaced by glycine, an amino acid with highly dissimilar properties. This amino acid position is conserved. In addition, this alteration is predicted to be deleterious by in silico analysis. Based on the available evidence, the clinical significance of this variant remains unclear.

NM_000548.5(TSC2):c.769T>G (p.Trp257Gly)

Gene: TSC2 (TSC complex subunit 2; plus strand). Cytogenetic location: 16p13.3.
Variant type: single nucleotide variant.
Coding change: c.769T>G on transcript NM_000548.5 (MANE Select); coding-DNA position 769, T replaced by G.
Protein change: p.Trp257Gly; replaces tryptophan 257 with glycine.
Molecular consequence: missense variant. On other transcripts: 5 prime UTR variant (10), non-coding transcript variant (5).
Genome position (GRCh38, 1-based): chr16:2,056,764, T>G. VCF-style: chr16-2056764-T-G. GRCh37 (hg19) VCF-style: chr16-2106765-T-G.
Other names: c.769T>G, p.Trp257Gly (NM_001406665.1, NM_001363528.2, NM_001370404.1 and 6 more transcripts); c.859T>G, p.Trp287Gly (NM_001406667.1, NM_001406668.1); c.658T>G, p.Trp220Gly (NM_001406670.1, NM_001406678.1, NM_001318827.2); c.757T>G, p.Trp253Gly (NM_001406671.1, NM_001406673.1); c.622T>G, p.Trp208Gly (NM_001406675.1, NM_001406676.1, NM_001318829.2 and 1 more transcripts); c.712T>G, p.Trp238Gly (NM_001406677.1); c.169T>G, p.Trp57Gly (NM_001318831.2, NM_001406680.1, NM_001406682.1 and 6 more transcripts); c.802T>G, p.Trp268Gly (NM_001318832.2); and 4 more; short protein forms W208G, W220G, W253G, W103G, W238G, W257G, W268G, W287G.
Identifiers: ClinVar variation 5031311 (VCV005031311.1).